The following is an entry in ClinVar:

NM_024642.5(GALNT12):c.1265G>A (p.Cys422Tyr)

Gene: GALNT12 (polypeptide N-acetylgalactosaminyltransferase 12; plus strand). Cytogenetic location: 9q22.33.
Variant type: single nucleotide variant.
Coding change: c.1265G>A on transcript NM_024642.5 (MANE Select); coding-DNA position 1265, G replaced by A.
Protein change: p.Cys422Tyr; replaces cysteine 422 with tyrosine.
Molecular consequence: missense variant.
Genome position (GRCh38, 1-based): chr9:98,840,054, G>A. VCF-style: chr9-98840054-G-A. GRCh37 (hg19) VCF-style: chr9-101602336-G-A.
Other names: short protein forms C422Y.
Identifiers: ClinVar variation 4831832 (VCV004831832.1).
Genomic context (GRCh38, chr9:98,840,054, plus strand): 5'-TTTCTCAGGAACCTTTTGGGGATGTGACAGAGAGGAAGCAGCTCCGGGACAAGCTCCAGT[G>A]TAAAGACTTCAAGTGGTTCTTGGAGACTGTGTATCCAGAACTGCATGTGCCTGAGGACAG-3'
Protein context (NP_078918.3, residues 412-432): ERKQLRDKLQ[Cys422Tyr]KDFKWFLETV

ClinVar aggregate classification (germline): Uncertain significance (1 of 4 stars; one submission).

Submission:

Ambry Genetics
Classification: Uncertain significance. Last evaluated: 2026-02-22. Review status: criteria provided, single submitter. Criteria: Ambry Variant Classification Scheme 2023. Collection method: clinical testing. Allele origin: germline.
Comment: The p.C422Y variant (also known as c.1265G>A), located in coding exon 7 of the GALNT12 gene, results from a G to A substitution at nucleotide position 1265. The cysteine at codon 422 is replaced by tyrosine, an amino acid with highly dissimilar properties. This amino acid position is conserved. In addition, this alteration is predicted to be deleterious by in silico analysis. Based on the available evidence, the clinical significance of this variant remains unclear.